The following is an entry in ClinVar:

NM_001100913.3(PACS2):c.1333C>T (p.Arg445Trp)

Gene: PACS2 (phosphofurin acidic cluster sorting protein 2; plus strand). Cytogenetic location: 14q32.33.
Variant type: single nucleotide variant.
Coding change: c.1333C>T on transcript NM_001100913.3 (MANE Select); coding-DNA position 1333, C replaced by T.
Protein change: p.Arg445Trp; replaces arginine 445 with tryptophan.
Molecular consequence: missense variant.
Genome position (GRCh38, 1-based): chr14:105,381,978, C>T. VCF-style: chr14-105381978-C-T. GRCh37 (hg19) VCF-style: chr14-105848315-C-T.
Other names: c.1108C>T, p.Arg370Trp (NM_001243127.3); c.1333C>T, p.Arg445Trp (NM_015197.4); short protein forms R370W, R445W.
Identifiers: ClinVar variation 2421751 (VCV002421751.19), dbSNP rs782277412, ClinGen allele CA391181646.

ClinVar aggregate classification (germline): Uncertain significance. Review status: criteria provided, multiple submitters, no conflicts (2 of 4 stars). 2 submissions from 2 submitters: Uncertain significance (2). Last evaluated 2024-12-01.

Allele frequency attached by ClinVar (database versions not stated): TOPMed 0.00001; gnomAD 0.00002.
gnomAD v4.1: 9 of 1,550,234 alleles (0.00058%); highest among the groups gnomAD compares: African/African-American, 0.0014%; no homozygotes.

Submissions (2):

CeGaT Center for Human Genetics Tuebingen
Classification: Uncertain significance. Last evaluated: 2024-12-01. Review status: criteria provided, single submitter. Criteria: CeGaT Center For Human Genetics Tuebingen Variant Classification Criteria Version 2. Collection method: clinical testing. Allele origin: germline. Affected: yes. Observed: 1 variant allele.

Labcorp Genetics (formerly Invitae), Labcorp
Classification: Uncertain significance. Last evaluated: 2022-03-14. Review status: criteria provided, single submitter. Criteria: Invitae Variant Classification Sherloc (09022015). Collection method: clinical testing. Allele origin: germline.
Comment: This variant is present in population databases (no rsID available, gnomAD 0.001%). This sequence change replaces arginine, which is basic and polar, with tryptophan, which is neutral and slightly polar, at codon 445 of the PACS2 protein (p.Arg445Trp). In summary, the available evidence is currently insufficient to determine the role of this variant in disease. Therefore, it has been classified as a Variant of Uncertain Significance. Algorithms developed to predict the effect of missense changes on protein structure and function are either unavailable or do not agree on the potential impact of this missense change (SIFT: "Deleterious"; PolyPhen-2: "Probably Damaging"; Align-GVGD: "Class C0"). This variant has not been reported in the literature in individuals affected with PACS2-related conditions.